The following is an entry in ClinVar:

NM_004370.6(COL12A1):c.29C>A (p.Ala10Asp)

Gene: COL12A1 (collagen type XII alpha 1 chain; minus strand). Cytogenetic location: 6q14.1.
Variant type: single nucleotide variant.
Coding change: c.29C>A on transcript NM_004370.6 (MANE Select); coding-DNA position 29, C replaced by A.
Protein change: p.Ala10Asp; replaces alanine 10 with aspartic acid.
Molecular consequence: missense variant.
Genome position (GRCh38, 1-based): chr6:75,202,764, G>T on the plus strand (C>A on the coding strand, the complement: COL12A1 is on the minus strand). VCF-style: chr6-75202764-G-T. GRCh37 (hg19) VCF-style: chr6-75912480-G-T.
Other names: c.29C>A, p.Ala10Asp (NM_001424113.1, NM_001424114.1, NM_001424115.1 and 2 more transcripts); short protein forms A10D.
Identifiers: ClinVar variation 4616154 (VCV004616154.1).
Genomic context (GRCh38, chr6:75,202,764, plus strand): 5'-GAAGGGAGCCTTTTACCTTCTGCCTCAATGGAAGACAGGAGCAGGGCCGCGCCCAGGGCG[G>T]CAAGCGCTGGGGGAAGCCTACTCCGCATCCTTGGCCTCCGAGCTTACAGCGGCATGAAGA-3'
Protein context (NP_004361.3, residues 1-20): MRSRLPPAL[Ala10Asp]ALGAALLLSS

ClinVar aggregate classification (germline): Uncertain significance (1 of 4 stars; one submission).

Conditions:
Inborn genetic diseases. Identifiers: MedGen C0950123, MeSH D030342.

gnomAD v4.1: 4 of 1,551,778 alleles (0.00026%); highest among the groups gnomAD compares: African/African-American, 0.0014%; no homozygotes.

Submission:

Ambry Genetics
Classification: Uncertain significance for Inborn genetic diseases. Last evaluated: 2025-10-07. Review status: criteria provided, single submitter. Criteria: Ambry Variant Classification Scheme 2023. Collection method: clinical testing. Allele origin: germline.
Comment: The c.29C>A (p.A10D) alteration is located in exon 2 (coding exon 1) of the COL12A1 gene. This alteration results from a C to A substitution at nucleotide position 29, causing the alanine (A) at amino acid position 10 to be replaced by an aspartic acid (D). Based on data from gnomAD, the A allele has an overall frequency of <0.001% (0/154666) total alleles studied. The highest observed frequency was <0.001% (/) of alleles. Based on insufficient or conflicting evidence, the clinical significance of this alteration remains unclear.